The following is an entry in ClinVar:

ClinVar aggregate classification (germline): Likely benign (1 of 4 stars; one submission).

Conditions:
PIAS4-related disorder. Also called: PIAS4-related condition.

gnomAD v4.1: 4 of 1,548,740 alleles (0.00026%); no homozygotes.

Submission:

PreventionGenetics, part of Exact Sciences
Classification: Likely benign for PIAS4-related condition. Last evaluated: 2025-11-25. Review status: criteria provided, single submitter. Criteria: ACMG Guidelines, 2015. Collection method: clinical testing. Allele origin: germline.
Comment: This variant is classified as likely benign based on ACMG/AMP sequence variant interpretation guidelines (Richards et al. 2015 PMID: 25741868, with internal and published modifications).

NM_015897.4(PIAS4):c.982-8C>A

Gene: PIAS4 (protein inhibitor of activated STAT 4; plus strand). Cytogenetic location: 19p13.3.
Variant type: single nucleotide variant.
Coding change: c.982-8C>A on transcript NM_015897.4 (MANE Select); 8 bases into the intron before coding-DNA position 982, C replaced by A.
Molecular consequence: intron variant.
Genome position (GRCh38, 1-based): chr19:4,033,412, C>A. VCF-style: chr19-4033412-C-A. GRCh37 (hg19) VCF-style: chr19-4033410-C-A.
Identifiers: ClinVar variation 4978665 (VCV004978665.1).